The following is an entry in ClinVar:

NM_001126108.2(SLC12A3):c.2954G>A (p.Cys985Tyr)

Genes: SLC12A3 (solute carrier family 12 member 3; plus strand), LOC126862361 (CDK7 strongly-dependent group 2 enhancer GRCh37_chr16:56946332-56947531; plus strand). Cytogenetic location: 16q13.
Variant type: single nucleotide variant.
Coding change: c.2954G>A on transcript NM_001126108.2 (MANE Select); coding-DNA position 2954, G replaced by A.
Protein change: p.Cys985Tyr; replaces cysteine 985 with tyrosine.
Molecular consequence: missense variant.
Genome position (GRCh38, 1-based): chr16:56,913,293, G>A. VCF-style: chr16-56913293-G-A. GRCh37 (hg19) VCF-style: chr16-56947205-G-A.
Other names: c.2981G>A, p.Cys994Tyr (NM_000339.3); c.2978G>A, p.Cys993Tyr (NM_001126107.2); short protein forms C994Y, C993Y, C985Y.
Identifiers: ClinVar variation 448395 (VCV000448395.71), dbSNP rs199849117, ClinGen allele CA8070172.
Genomic context (GRCh38, chr16:56,913,293, plus strand): 5'-CTCTCTTCTACCACTTTTTCATGCCTTGCAGCACTTTGCCCATAGGGAGGAAGGGGAAGT[G>A]CCCCAGCTCGCTGTACATGGCCTGGCTGGAGACCCTGTCCCAGGACCTCAGACCTCCAGT-3'
Protein context (NP_001119580.2, residues 975-995): ITLPIGRKGK[Cys985Tyr]PSSLYMAWLE

ClinVar aggregate classification (germline): Pathogenic. Review status: criteria provided, multiple submitters, no conflicts (2 of 4 stars). 16 submissions from 16 submitters: Pathogenic (15). 1 of the submissions does not count toward it. Last evaluated 2026-08-06.

Conditions:
SLC12A3-related disorder. Also called: SLC12A3-related condition.
Familial hypokalemia-hypomagnesemia (GTLMNS). Also called: HYPOMAGNESEMIA-HYPOKALEMIA, PRIMARY RENOTUBULAR, WITH HYPOCALCIURIA; gitelman syndrome; POTASSIUM AND MAGNESIUM DEPLETION. Identifiers: Orphanet 358, MedGen C0268450, MONDO:0009904, OMIM 263800.

Allele frequency attached by ClinVar (database versions not stated): ESP Exome Variant Server 0.00008; gnomAD 0.00008; TOPMed 0.00012; gnomAD exomes 0.00015 and 0.00020; 1000 Genomes Project 30x 0.00016; 1000 Genomes Project 0.00020; ExAC 0.00025.
gnomAD v4.1: 233 of 1,614,172 alleles (0.014%); highest among the groups gnomAD compares: Admixed American, 0.032%; no homozygotes.

Submissions 1 to 9 of 16:

OLLIN Analises Genomicas, OLLIN
Classification: Pathogenic for Familial hypokalemia-hypomagnesemia. Last evaluated: 2026-08-06. Review status: criteria provided, single submitter. Criteria: ACMG Guidelines 2015 PMID 25741868. Collection method: clinical testing. Allele origin: germline. Inheritance: Autosomal recessive inheritance.
Comment: This missense variant, located in exon 26 (of 26), has been reported in ClinVar (accession VCV000448395.68), in gnomAD with an allele frequency of 0.014%, and in the scientific literature, in compound heterozygosity, in individuals with SLC12A3 related disorders (PMID: 12039972). In silico analysis is inconclusive regarding the impact of this variant; however, functional studies suggest that it may affect protein function (PMID: 12039972). According to the currently available evidence, this variant has been classified as pathogenic (PS3_P, PM2_P, PM3_VS).

Labcorp Genetics (formerly Invitae), Labcorp
Classification: Pathogenic. Last evaluated: 2026-01-25. Review status: criteria provided, single submitter. Criteria: Invitae Variant Classification Sherloc (09022015). Collection method: clinical testing. Allele origin: germline.
Comment: This sequence change replaces cysteine, which is neutral and slightly polar, with tyrosine, which is neutral and polar, at codon 994 of the SLC12A3 protein (p.Cys994Tyr). This variant is present in population databases (rs199849117, gnomAD 0.03%). This missense change has been observed in individual(s) with Gitelman syndrome (PMID: 12112667, 21415153, 22009145, 23328711, 25422309). In at least one individual the data is consistent with being in trans (on the opposite chromosome) from a pathogenic variant. This variant is also known as p.Cys985Tyr. ClinVar contains an entry for this variant (Variation ID: 448395). Invitae Evidence Modeling of protein sequence and biophysical properties (such as structural, functional, and spatial information, amino acid conservation, physicochemical variation, residue mobility, and thermodynamic stability) indicates that this missense variant is expected to disrupt SLC12A3 protein function with a positive predictive value of 95%. Experimental studies have shown that this missense change affects SLC12A3 function (PMID: 12039972). For these reasons, this variant has been classified as Pathogenic.

Victorian Clinical Genetics Services, Murdoch Childrens Research Institute
Classification: Pathogenic for Familial hypokalemia-hypomagnesemia. Last evaluated: 2026-01-15. Review status: criteria provided, single submitter. Criteria: ACMG Guidelines, 2015. Collection method: clinical testing. Allele origin: germline. Affected: yes.
Comment: This variant is classified as Pathogenic. Evidence in support of pathogenic classification: Variant is present in gnomAD <0.01 for a recessive condition (v4: 233 heterozygote(s), 0 homozygote(s)); This variant has very strong previous evidence of pathogenicity in unrelated individuals. This variant has been classified as pathogenic by multiple clinical laboratories in ClinVar, and reported in a homozygous or compound heterozygous state in individuals with Gitelman syndrome (PMID: 22009145); Missense variant predicted to be damaging by in silico tool(s) or highly conserved with a major amino acid change. Additional information: Variant is predicted to result in a missense amino acid change from Cys to Tyr; This variant is homozygous; This gene is associated with autosomal recessive disease; Variant is located in the annotated SLC12 domain (DECIPHER); Loss of function is a known mechanism of disease in this gene and is associated with Gitelman syndrome (MIM#263800); Inheritance information for this variant is not currently available in this individual.

Natera, Inc.
Classification: Pathogenic for Gitelman syndrome. Last evaluated: 2025-12-17. Review status: criteria provided, single submitter. Criteria: Natera Variant Classification Schema (03/2026). Collection method: clinical testing. Allele origin: germline.
Comment: The c.2981G>A variant in SLC12A3 is a missense variant predicted to cause substitution of cysteine to tyrosine at amino acid 994. This variant is rare in the general population with a frequency below the threshold expected for the associated phenotype(s). This variant has been observed in one or more individuals affected with the associated recessive disease, as either homozygous or compound heterozygous with a second variant (PMID: 29398133). Computational prediction algorithms indicate this variant is likely to affect gene or protein function. Given the available evidence, this variant is classified as Pathogenic.

Nephrology, University of Crete, University General Hospital of Heraklion
Classification: Pathogenic for Familial hypokalemia-hypomagnesemia. Last evaluated: 2025-11-05. Review status: criteria provided, single submitter. Criteria: ACMG Guidelines, 2015. Collection method: clinical testing. Allele origin: unknown. Affected: yes.

GeneDx
Classification: Pathogenic. Last evaluated: 2025-03-21. Review status: criteria provided, single submitter. Criteria: GeneDx Variant Classification Process June 2021. Collection method: clinical testing. Allele origin: germline. Affected: yes.
Comment: Published functional studies demonstrate a damaging effect in Xenopus oocytes (PMID: 12039972); In silico analysis supports that this missense variant has a deleterious effect on protein structure/function; This variant is associated with the following publications: (PMID: 12112667, 17654016, 21415153, 31589614, 34860177, 20675610, 22990302, 21753071, 27216017, 34389731, 35591852, 35753512, 22009145, 25422309, 30136149, 12039972, 23328711, 31672324, 35628451, 30476936, 29398133)

Blueprint Genetics
Classification: Pathogenic for SLC12A3-related disorders. Last evaluated: 2024-09-12. Review status: criteria provided, single submitter. Criteria: ACMG Guidelines, 2015. Collection method: clinical testing. Allele origin: germline. Affected: yes. Observed: 5 variant alleles.

Molecular Genetics, Royal Melbourne Hospital
Classification: Pathogenic for Familial hypokalemia-hypomagnesemia. Last evaluated: 2024-06-13. Review status: criteria provided, single submitter. Criteria: ACMG Guidelines, 2015. Collection method: clinical testing. Allele origin: germline. Inheritance: Autosomal recessive inheritance. Affected: yes.
Comment: This sequence change in SLC12A3 is predicted to replace cysteine with tyrosine at codon 985, p.(Cys985Tyr). The cysteine residue is highly conserved (100 vertebrates, Multiz Alignments), and is located in the SLC12A transporter C-terminal domain, which is not a mutational hotspot or critical functional domain. There is a large physicochemical difference between cysteine and tyrosine. The highest population minor allele frequency in the population database gnomAD v4.1 is 0.03% (19/60,022 alleles) in the Admixed American population, which is consistent with recessive disease. ClinVar contains an entries for this variant (Variation ID: 448395). This variant has been detected in at least 15 individuals with Gitelman syndrome. Of those individuals, two individuals were homozygous and 13 were compound heterozygous for the variant and a pathogenic or likely pathogenic variant in SLC12A3 and three of those were confirmed in trans by parental testing (PMID: 29398133, 22009145, 12112667, 17329572, 21415153). Experimental studies in Xenopus laevis oocytes showed reduced metolazone-sensitive (22)Na(+) uptake relative to the wild-type, indicating that this variant impacts protein function (PMID: 12039972). Computational evidence is uninformative for the missense substitution (REVEL = 0.58). Based on the classification scheme RMH Modified ACMG/AMP Guidelines v1.6.1, this variant is classified as PATHOGENIC. Following criteria are met: PM3_VeryStrong, PM2_Supporting, PS3_Supporting.

Women's Health and Genetics/Laboratory Corporation of America, LabCorp
Classification: Pathogenic for Familial hypokalemia-hypomagnesemia. Last evaluated: 2023-01-27. Review status: criteria provided, single submitter. Criteria: LabCorp Variant Classification Summary - May 2015. Collection method: clinical testing. Allele origin: germline.
Comment: Variant summary: SLC12A3 c.2981G>A (p.Cys994Tyr) results in a non-conservative amino acid change located in the SLC12A transporter, C-terminal domain (IPR018491) of the encoded protein sequence. Five of five in-silico tools predict a damaging effect of the variant on protein function. The variant allele was found at a frequency of 0.0002 in 251292 control chromosomes. This frequency does not allow conclusions about variant significance. c.2981G>A has been reported in the literature as a biallelic genotype in multiple individuals affected with Familial Hypokalemia-Hypomagnesemia (Gitelman Syndrome) (example, PMID: 22009145, 29398133). These data indicate that the variant is very likely to be associated with disease. At least one publication reports experimental evidence evaluating an impact on protein function (example, PMID: 12039972), demonstrating significantly reduced metolazone-sensitive (22)Na(+) uptake relative to the wild-type thereby impacting functional outcomes. Ten clinical diagnostic laboratories have submitted clinical-significance assessments for this variant to ClinVar after 2014 (Pathogenic, n=9). Based on the evidence outlined above, the variant was classified as pathogenic.